The following is an entry in ClinVar:

ClinVar aggregate classification (germline): Likely benign (1 of 4 stars; one submission).

Conditions:
VIPAS39-related disorder. Also called: VIPAS39-related condition.

gnomAD v4.1: 23 of 1,614,072 alleles (0.0014%); highest among the groups gnomAD compares: South Asian, 0.024%; 2 homozygotes.

Submission:

PreventionGenetics, part of Exact Sciences
Classification: Likely benign for VIPAS39-related condition. Last evaluated: 2026-08-30. Review status: criteria provided, single submitter. Criteria: ACMG Guidelines, 2015. Collection method: clinical testing. Allele origin: germline.
Comment: This variant is classified as likely benign based on ACMG/AMP sequence variant interpretation guidelines (Richards et al. 2015 PMID: 25741868, with internal and published modifications).

NM_001193315.2(VIPAS39):c.382+8T>C

Gene: VIPAS39 (VPS33B interacting protein, apical-basolateral polarity regulator, spe-39 homolog; minus strand). Cytogenetic location: 14q24.3.
Variant type: single nucleotide variant.
Coding change: c.382+8T>C on transcript NM_001193315.2 (MANE Select); 8 bases into the intron after coding-DNA position 382, T replaced by C.
Molecular consequence: intron variant.
Genome position (GRCh38, 1-based): chr14:77,449,706, A>G on the plus strand (T>C on the coding strand, the complement: VIPAS39 is on the minus strand). VCF-style: chr14-77449706-A-G. GRCh37 (hg19) VCF-style: chr14-77916049-A-G.
Other names: c.235+8T>C (NM_001400337.1, NM_001193316.2, NM_001400324.1 and 1 more transcripts); c.382+8T>C (NM_001400333.1, NM_001400327.1, NM_001400338.1 and 11 more transcripts).
Identifiers: ClinVar variation 4987934 (VCV004987934.1).